The following is an entry in ClinVar:

ClinVar aggregate classification (germline): Uncertain significance (1 of 4 stars; one submission).

Conditions:
Cardiovascular phenotype. Identifiers: MedGen CN230736.

Submission:

Ambry Genetics
Classification: Uncertain significance for Cardiovascular phenotype. Last evaluated: 2023-05-22. Review status: criteria provided, single submitter. Criteria: Ambry Variant Classification Scheme 2023. Collection method: clinical testing. Allele origin: germline.
Comment: The p.Q674P variant (also known as c.2021A>C), located in coding exon 14 of the VCL gene, results from an A to C substitution at nucleotide position 2021. The glutamine at codon 674 is replaced by proline, an amino acid with similar properties. This amino acid position is conserved. In addition, this alteration is predicted to be deleterious by in silico analysis. Since supporting evidence is limited at this time, the clinical significance of this alteration remains unclear.

NM_014000.3(VCL):c.2021A>C (p.Gln674Pro)

Gene: VCL (vinculin; plus strand). Cytogenetic location: 10q22.2.
Variant type: single nucleotide variant.
Coding change: c.2021A>C on transcript NM_014000.3 (MANE Select); coding-DNA position 2021, A replaced by C.
Protein change: p.Gln674Pro; replaces glutamine 674 with proline.
Molecular consequence: missense variant.
Genome position (GRCh38, 1-based): chr10:74,101,096, A>C. VCF-style: chr10-74101096-A-C. GRCh37 (hg19) VCF-style: chr10-75860854-A-C.
Other names: c.2021A>C, p.Gln674Pro (NM_003373.4); short protein forms Q674P.
Identifiers: ClinVar variation 2565625 (VCV002565625.2), dbSNP rs2549229794, ClinGen allele CA377260966.